The following is an entry in ClinVar:

NM_020713.3(ZNF512B):c.2460C>T (p.Pro820=)

Gene: ZNF512B (zinc finger protein 512B; minus strand). Cytogenetic location: 20q13.33.
Variant type: single nucleotide variant.
Coding change: c.2460C>T on transcript NM_020713.3 (MANE Select); coding-DNA position 2460, C replaced by T.
Protein change: p.Pro820=; no amino-acid change (proline 820 retained).
Molecular consequence: synonymous variant.
Genome position (GRCh38, 1-based): chr20:63,960,107, G>A on the plus strand (C>T on the coding strand, the complement: ZNF512B is on the minus strand). VCF-style: chr20-63960107-G-A. GRCh37 (hg19) VCF-style: chr20-62591460-G-A.
Identifiers: ClinVar variation 3059327 (VCV003059327.2), dbSNP rs45570933, ClinGen allele CA9970726.
Genomic context (GRCh38, chr20:63,960,107, plus strand): 5'-ACCTGCCAGATTTTTCTTCTTTTCCTTCTTGGGCACCAATGAGTCCTGGCTCCTGTGTTT[G>A]GGAGGTGGGTCTGCTGATGTTCGGAACCAGTTCTGGGGAGAGAAAAGCGCTGATGAAGAC-3'
Protein context (NP_065764.1, residues 810-830): NWFRTSADPP[Pro820=]KHRSQDSLVP

ClinVar aggregate classification (germline): Benign (0 of 4 stars; one submission).

Conditions:
ZNF512B-related disorder. Also called: ZNF512B-related condition.

Allele frequency attached by ClinVar (database versions not stated): 1000 Genomes Project 0.02037; 1000 Genomes Project 30x 0.02124; TOPMed 0.04175; gnomAD 0.04452; ExAC 0.04644; ESP Exome Variant Server 0.05160.
gnomAD v4.1: 100,644 of 1,613,860 alleles (6.2%); highest among the groups gnomAD compares: Non-Finnish European, 7.4%; 3,655 homozygotes.

Submission:

PreventionGenetics, part of Exact Sciences
Classification: Benign for ZNF512B-related condition. Last evaluated: 2019-04-15. Review status: no assertion criteria provided. Collection method: clinical testing. Allele origin: germline.
Comment: This variant is classified as benign based on ACMG/AMP sequence variant interpretation guidelines (Richards et al. 2015 PMID: 25741868, with internal and published modifications).